The following is an entry in ClinVar:

NM_000381.4(MID1):c.761A>G (p.Asn254Ser)

Gene: MID1 (midline 1; minus strand). Cytogenetic location: Xp22.2.
Variant type: single nucleotide variant.
Coding change: c.761A>G on transcript NM_000381.4 (MANE Select); coding-DNA position 761, A replaced by G.
Protein change: p.Asn254Ser; replaces asparagine 254 with serine.
Molecular consequence: missense variant.
Genome position (GRCh38, 1-based): chrX:10,495,687, T>C on the plus strand (A>G on the coding strand, the complement: MID1 is on the minus strand). VCF-style: chrX-10495687-T-C. GRCh37 (hg19) VCF-style: chrX-10463727-T-C.
Other names: c.761A>G, p.Asn254Ser (NM_001098624.2, NM_001193277.1, NM_001193279.1 and 2 more transcripts); c.914A>G, p.Asn305Ser (NM_001193278.1); c.647A>G, p.Asn216Ser (NM_001193280.1, NM_033289.2); short protein forms N216S, N254S, N305S.
Identifiers: ClinVar variation 3692116 (VCV003692116.2).
Genomic context (GRCh38, chrX:10,495,687, plus strand): 5'-TGAATGATCTCAATGAGAAGATCACACTCCTCTGTCAATTTGGCTTCTTGACGTGATGCA[T>C]TGACCTACAGGATAAGTACAATGGTAAGTGTTAATTTGGCCTTTGTTTTTCAGTTAAGTG-3'
Protein context (NP_000372.1, residues 244-264): LIQTCQHVEV[Asn254Ser]ASRQEAKLTE

ClinVar aggregate classification (germline): Uncertain significance (1 of 4 stars; one submission).

Submission:

Labcorp Genetics (formerly Invitae), Labcorp
Classification: Uncertain significance. Last evaluated: 2024-08-20. Review status: criteria provided, single submitter. Criteria: Invitae Variant Classification Sherloc (09022015). Collection method: clinical testing. Allele origin: germline.
Comment: This sequence change replaces asparagine, which is neutral and polar, with serine, which is neutral and polar, at codon 254 of the MID1 protein (p.Asn254Ser). This variant is not present in population databases (gnomAD no frequency). This variant has not been reported in the literature in individuals affected with MID1-related conditions. Invitae Evidence Modeling of protein sequence and biophysical properties (such as structural, functional, and spatial information, amino acid conservation, physicochemical variation, residue mobility, and thermodynamic stability) indicates that this missense variant is not expected to disrupt MID1 protein function with a negative predictive value of 80%. In summary, the available evidence is currently insufficient to determine the role of this variant in disease. Therefore, it has been classified as a Variant of Uncertain Significance.